The following is an entry in ClinVar:

NM_004656.4(BAP1):c.1117-1G>A

Gene: BAP1 (BRCA1 associated deubiquitinase 1; minus strand). Cytogenetic location: 3p21.1.
Variant type: single nucleotide variant.
Coding change: c.1117-1G>A on transcript NM_004656.4 (MANE Select); the canonical splice acceptor site of the intron before coding-DNA position 1117, G replaced by A.
Molecular consequence: splice acceptor variant.
Genome position (GRCh38, 1-based): chr3:52,404,587, C>T on the plus strand (G>A on the coding strand, the complement: BAP1 is on the minus strand). VCF-style: chr3-52404587-C-T. GRCh37 (hg19) VCF-style: chr3-52438603-C-T.
Other names: c.1063-1G>A (NM_001410772.1).
Identifiers: ClinVar variation 2457520 (VCV002457520.10), dbSNP rs2153226890, ClinGen allele CA353103570.

ClinVar aggregate classification (germline): Likely pathogenic. Review status: criteria provided, multiple submitters, no conflicts (2 of 4 stars). 5 submissions from 5 submitters: Likely pathogenic (5). Last evaluated 2026-01-27.

Conditions:
Hereditary cancer-predisposing syndrome. Also called: Neoplastic Syndromes, Hereditary; Hereditary neoplastic syndrome; Tumor predisposition; Hereditary Cancer Syndrome. Identifiers: Orphanet 140162, MedGen C0027672, MeSH D009386, MONDO:0015356.
BAP1-related tumor predisposition syndrome (TPDS1). Also called: BAP1 tumor predisposition syndrome; TUMOR PREDISPOSITION SYNDROME 1; Tumor susceptibility linked to germline BAP1 mutations; COMMON Syndrome. Identifiers: Orphanet 289539, MedGen C3280492, MONDO:0013692, OMIM 614327.

Submissions (5):

Labcorp Genetics (formerly Invitae), Labcorp
Classification: Likely pathogenic for BAP1-related tumor predisposition syndrome. Last evaluated: 2026-01-27. Review status: criteria provided, single submitter. Criteria: Invitae Variant Classification Sherloc (09022015). Collection method: clinical testing. Allele origin: germline.
Comment: This sequence change affects an acceptor splice site in intron 11 of the BAP1 gene. It is expected to disrupt RNA splicing. Variants that disrupt the donor or acceptor splice site typically lead to a loss of protein function (PMID: 16199547), and loss-of-function variants in BAP1 are known to be pathogenic (PMID: 21874000, 23684012). This variant is not present in population databases (gnomAD no frequency). This variant has not been reported in the literature in individuals affected with BAP1-related conditions. ClinVar contains an entry for this variant (Variation ID: 2457520). Algorithms developed to predict the effect of sequence changes on RNA splicing suggest that this variant may disrupt the consensus splice site. In summary, the currently available evidence indicates that the variant is pathogenic, but additional data are needed to prove that conclusively. Therefore, this variant has been classified as Likely Pathogenic.

Color Diagnostics, LLC DBA Color Health
Classification: Likely pathogenic for Hereditary cancer-predisposing syndrome. Last evaluated: 2025-10-21. Review status: criteria provided, single submitter. Criteria: ACMG Guidelines, 2015. Collection method: clinical testing. Allele origin: germline.
Comment: This variant is causes a G to A nucleotide substitution at the -1 position of intron 11 in the BAP1 gene. Splice site prediction tools suggest that this variant may have a significant impact on RNA splicing, although this prediction has not been confirmed in published RNA studies. This variant has not been reported in individuals affected with BAP1-related disorders in the literature. This variant has not been identified in the general population by the Genome Aggregation Database (gnomAD). Based on the available evidence, this variant is classified as Likely Pathogenic.

Ambry Genetics
Classification: Likely pathogenic for Hereditary cancer-predisposing syndrome. Last evaluated: 2025-05-12. Review status: criteria provided, single submitter. Criteria: Ambry Variant Classification Scheme 2023. Collection method: clinical testing. Allele origin: germline.
Comment: The c.1117-1G>A intronic variant results from a G to A substitution one nucleotide upstream from coding exon 12 of the BAP1 gene. This nucleotide position is highly conserved in available vertebrate species. In silico splice site analysis predicts that this alteration will weaken the native splice acceptor site and will result in the creation or strengthening of a novel splice acceptor site; however, direct evidence is insufficient at this time (Ambry internal data). This variant is considered to be rare based on population cohorts in the Genome Aggregation Database (gnomAD). Alterations that disrupt the canonical splice site are expected to cause aberrant splicing, resulting in an abnormal protein or a transcript that is subject to nonsense-mediated mRNA decay. As such, this alteration is classified as likely pathogenic.

Mayo Clinic Laboratories, Mayo Clinic
Classification: Likely pathogenic. Last evaluated: 2023-06-13. Review status: criteria provided, single submitter. Criteria: ACMG Guidelines, 2015. Collection method: clinical testing. Allele origin: germline. Observed: 1 variant allele.
Comment: PM2, PVS1

Myriad Genetics, Inc.
Classification: Likely pathogenic for BAP1-related tumor predisposition syndrome. Last evaluated: 2023-05-17. Review status: criteria provided, single submitter. Criteria: Myriad Autosomal Dominant, Autosomal Recessive and X-Linked Classification Criteria (2023). Collection method: clinical testing. Allele origin: unknown.
Comment: This variant is considered likely pathogenic. This variant occurs within a consensus splice junction and is predicted to result in abnormal mRNA splicing of either an out-of-frame exon or an in-frame exon necessary for protein stability and/or normal function.

Literature cited by the submitters: PubMed 16199547 (cited by Labcorp Genetics (formerly Invitae), Labcorp); PubMed 21874000 (cited by Labcorp Genetics (formerly Invitae), Labcorp); PubMed 23684012 (cited by Labcorp Genetics (formerly Invitae), Labcorp).